The following is an entry in ClinVar:

NM_001394372.1(BICRA):c.3482A>T (p.Glu1161Val)

Gene: BICRA (BRD4 interacting chromatin remodeling complex associated protein; plus strand). Cytogenetic location: 19q13.33.
Variant type: single nucleotide variant.
Coding change: c.3482A>T on transcript NM_001394372.1 (MANE Select); coding-DNA position 3482, A replaced by T.
Protein change: p.Glu1161Val; replaces glutamic acid 1161 with valine.
Molecular consequence: missense variant.
Genome position (GRCh38, 1-based): chr19:47,699,049, A>T. VCF-style: chr19-47699049-A-T. GRCh37 (hg19) VCF-style: chr19-48202306-A-T.
Other names: c.3482A>T, p.Glu1161Val (NM_015711.3); short protein forms E1161V.
Identifiers: ClinVar variation 3392913 (VCV003392913.1).

ClinVar aggregate classification (germline): Uncertain significance (1 of 4 stars; one submission).

Submission:

GeneDx
Classification: Uncertain significance. Last evaluated: 2024-06-28. Review status: criteria provided, single submitter. Criteria: GeneDx Variant Classification Process June 2021. Collection method: clinical testing. Allele origin: germline. Affected: yes.
Comment: Not observed at significant frequency in large population cohorts (gnomAD); In silico analysis supports that this missense variant has a deleterious effect on protein structure/function; Has not been previously published as pathogenic or benign to our knowledge